The following is an entry in ClinVar:

NM_005085.4(NUP214):c.6106G>A (p.Gly2036Ser)

Gene: NUP214 (nucleoporin 214; plus strand). Cytogenetic location: 9q34.13.
Variant type: single nucleotide variant.
Coding change: c.6106G>A on transcript NM_005085.4 (MANE Select); coding-DNA position 6106, G replaced by A.
Protein change: p.Gly2036Ser; replaces glycine 2036 with serine.
Molecular consequence: missense variant.
Genome position (GRCh38, 1-based): chr9:131,230,661, G>A. VCF-style: chr9-131230661-G-A. GRCh37 (hg19) VCF-style: chr9-134106048-G-A.
Other names: c.6076G>A, p.Gly2026Ser (NM_001318324.2); c.2584G>A, p.Gly862Ser (NM_001318325.2); short protein forms G2026S, G2036S, G862S.
Identifiers: ClinVar variation 1695531 (VCV001695531.2), dbSNP rs142328071, ClinGen allele CA5290395.

ClinVar aggregate classification (germline): Uncertain significance (1 of 4 stars; one submission).

Allele frequency attached by ClinVar (database versions not stated): ExAC 0.00026; gnomAD exomes 0.00030; ESP Exome Variant Server 0.00031.
gnomAD v4.1: 1,424 of 1,613,940 alleles (0.088%); highest among the groups gnomAD compares: Non-Finnish European, 0.11%; no homozygotes.

Submission:

GeneDx
Classification: Uncertain significance. Last evaluated: 2022-01-05. Review status: criteria provided, single submitter. Criteria: GeneDx Variant Classification Process June 2021. Collection method: clinical testing. Allele origin: germline. Affected: yes.
Comment: Has not been previously published as pathogenic or benign to our knowledge; In silico analysis supports that this missense variant has a deleterious effect on protein structure/function